The following is an entry in ClinVar:

ClinVar aggregate classification (germline): Uncertain significance (1 of 4 stars; one submission).

Allele frequency attached by ClinVar (database versions not stated): gnomAD exomes below 0.00001.
gnomAD v4.1: 2 of 1,614,070 alleles (0.00012%); highest among the groups gnomAD compares: Admixed American, 0.0017%; no homozygotes.

Submission:

Labcorp Genetics (formerly Invitae), Labcorp
Classification: Uncertain significance. Last evaluated: 2023-04-21. Review status: criteria provided, single submitter. Criteria: Invitae Variant Classification Sherloc (09022015). Collection method: clinical testing. Allele origin: germline.
Comment: This variant is present in population databases (no rsID available, gnomAD 0.003%). This sequence change replaces threonine, which is neutral and polar, with isoleucine, which is neutral and non-polar, at codon 153 of the NR3C2 protein (p.Thr153Ile). This variant has not been reported in the literature in individuals affected with NR3C2-related conditions. Advanced modeling of protein sequence and biophysical properties (such as structural, functional, and spatial information, amino acid conservation, physicochemical variation, residue mobility, and thermodynamic stability) performed at Invitae indicates that this missense variant is not expected to disrupt NR3C2 protein function. In summary, the available evidence is currently insufficient to determine the role of this variant in disease. Therefore, it has been classified as a Variant of Uncertain Significance.

NM_000901.5(NR3C2):c.458C>T (p.Thr153Ile)

Gene: NR3C2 (nuclear receptor subfamily 3 group C member 2; minus strand). Cytogenetic location: 4q31.23.
Variant type: single nucleotide variant.
Coding change: c.458C>T on transcript NM_000901.5 (MANE Select); coding-DNA position 458, C replaced by T.
Protein change: p.Thr153Ile; replaces threonine 153 with isoleucine.
Molecular consequence: missense variant. On other transcripts: non-coding transcript variant (1).
Genome position (GRCh38, 1-based): chr4:148,436,403, G>A on the plus strand (C>T on the coding strand, the complement: NR3C2 is on the minus strand). VCF-style: chr4-148436403-G-A. GRCh37 (hg19) VCF-style: chr4-149357555-G-A.
Other names: c.458C>T, p.Thr153Ile (NM_001166104.2, NM_001354819.1); short protein forms T153I.
Identifiers: ClinVar variation 2963787 (VCV002963787.3), dbSNP rs1032475208, ClinGen allele CA107874136.
Genomic context (GRCh38, chr4:148,436,403, plus strand): 5'-TTCACGGAGCTCCCAGAGTCAGACATAAATGATCTCAAGGGCGTGTTCACACAACTTAGA[G>A]TGGAAGGACGATGGCCATTTCCTTTGTAAAATTTCACCAGCTGTTCAACATTCTGATAAA-3'
Protein context (NP_000892.2, residues 143-163): FYKGNGHRPS[Thr153Ile]LSCVNTPLRS